The following is an entry in ClinVar:

NM_001374828.1(ARID1B):c.5589CGA[1] (p.Asp1864del)

Gene: ARID1B (AT-rich interaction domain 1B; plus strand). Cytogenetic location: 6q25.3.
Variant type: Microsatellite.
Coding change: c.5589CGA[1] on transcript NM_001374828.1 (MANE Select); one copy of the 3-base unit CGA starting at c.5589; the reference has two copies in a row; one copy, 3 bases deleted.
Protein change: p.Asp1864del; deletes aspartic acid 1864.
Molecular consequence: inframe deletion.
Genome position (GRCh38, 1-based): chr6:157,206,364-157,206,366, CGA deleted; deleting any 3 consecutive bases within chr6:157,206,359-157,206,366 gives the same sequence; the position shown is the placement nearest the transcript's 3' end. VCF-style (leftmost placement, unchanged base first): chr6-157206358-TGAC-T. GRCh37 (hg19) VCF-style: chr6-157527492-TGAC-T.
Other names: c.5223_5225del (NM_020732.3); c.3090CGA[1], p.Asp1031del (NM_001363725.2); c.5469CGA[1], p.Asp1824del (NM_001371656.1, NM_001374820.1); c.5430CGA[1], p.Asp1811del (NM_017519.3); c.5223_5225delCGA (NM_020732.3); short protein forms D1031del, D1811del, D1824del, D1864del.
Identifiers: ClinVar variation 587910 (VCV000587910.27), dbSNP rs113820273, ClinGen allele CA4067863.
Genomic context (GRCh38, chr6:157,206,358, plus strand): 5'-TGACAGCCAGTCCTTGGCAGACGATTCTGGGAAAGAGGAGGAAGATGCTGAATGTATTGA[TGAC>T]GACGAGGAAGACGAGGAGGATGAGGAGGAAGACAGCGAGAAGACAGAAAGCGATGAAAAG-3'

ClinVar aggregate classification (germline): Benign. Review status: criteria provided, multiple submitters, no conflicts (2 of 4 stars). 4 submissions from 4 submitters: Benign (4). Last evaluated 2026-04-01.

Conditions:
Inborn genetic diseases. Identifiers: MedGen C0950123, MeSH D030342.

Submissions (4):

CeGaT Center for Human Genetics Tuebingen
Classification: Benign. Last evaluated: 2026-04-01. Review status: criteria provided, single submitter. Criteria: CeGaT Center For Human Genetics Tuebingen Variant Classification Criteria Version 2. Collection method: clinical testing. Allele origin: germline. Affected: yes. Observed: 8 variant alleles.
Comment: ARID1B: PM4:Supporting, BS1, BS2

Labcorp Genetics (formerly Invitae), Labcorp
Classification: Benign. Last evaluated: 2026-01-29. Review status: criteria provided, single submitter. Criteria: Invitae Variant Classification Sherloc (09022015). Collection method: clinical testing. Allele origin: germline.

GeneDx
Classification: Benign. Last evaluated: 2020-03-23. Review status: criteria provided, single submitter. Criteria: GeneDx Variant Classification Process June 2021. Collection method: clinical testing. Allele origin: germline. Affected: yes.

Ambry Genetics
Classification: Benign for Inborn genetic diseases. Last evaluated: 2016-07-08. Review status: criteria provided, single submitter. Criteria: Ambry Variant Classification Scheme 2023. Collection method: clinical testing. Allele origin: germline.